The following is an entry in ClinVar:

NM_001613.4(ACTA2):c.617-14T>C

Genes: ACTA2 (actin alpha 2, smooth muscle; minus strand), ACTA2-AS1 (ACTA2 antisense RNA 1; plus strand). Cytogenetic location: 10q23.31.
Variant type: single nucleotide variant.
Coding change: c.617-14T>C on transcript NM_001613.4 (MANE Select); 14 bases into the intron before coding-DNA position 617, T replaced by C.
Molecular consequence: intron variant. On other transcripts: non-coding transcript variant (1).
Genome position (GRCh38, 1-based): chr10:88,939,712, A>G on the plus strand (T>C on the coding strand, the complement: ACTA2 is on the minus strand). VCF-style: chr10-88939712-A-G. GRCh37 (hg19) VCF-style: chr10-90699469-A-G.
Other names: c.488-14T>C (NM_001406467.1, NM_001406468.1, NM_001406469.1); c.617-14T>C (NM_001320855.2, NM_001406462.1, NM_001141945.3 and 2 more transcripts); c.617-1470T>C (NM_001406471.1); c.506-14T>C (NM_001406466.1).
Identifiers: ClinVar variation 377434 (VCV000377434.9), dbSNP rs776041033, ClinGen allele CA029014.
Genomic context (GRCh38, chr10:88,939,712, plus strand): 5'-TACATAACACAGTTTCTCCTTGATGTCCCGGACAATCTCACGCTCAGCTGTCAACCAGAT[A>G]CAAACATTGTGGCAAACATTAGGGTCTGCACAGGTGGCAAAGATTCACCTGCCCTACTGC-3'

ClinVar aggregate classification (germline): Likely benign. Review status: criteria provided, multiple submitters, no conflicts (2 of 4 stars). 4 submissions from 4 submitters: Likely benign (4). Last evaluated 2025-03-24.

Conditions:
Aortic aneurysm, familial thoracic 6 (AAT6). Also called: FAMILIAL THORACIC AORTIC ANEURYSM WITH LIVEDO RETICULARIS AND IRIS FLOCCULI. Identifiers: MedGen C2673186, MONDO:0012730, OMIM 611788.
Familial thoracic aortic aneurysm and aortic dissection (TAAD). Also called: Thoracic aortic aneurysms and dissections. Identifiers: Orphanet 91387, MedGen C4707243, MONDO:0019625.

Allele frequency attached by ClinVar (database versions not stated): gnomAD exomes below 0.00001 and 0.00001; TOPMed below 0.00001; ExAC 0.00001; gnomAD 0.00001.
gnomAD v4.1: 9 of 1,613,726 alleles (0.00056%); highest among the groups gnomAD compares: Non-Finnish European, 0.00076%; no homozygotes.

Submissions (4):

Labcorp Genetics (formerly Invitae), Labcorp
Classification: Likely benign for Aortic aneurysm, familial thoracic 6. Last evaluated: 2025-03-24. Review status: criteria provided, single submitter. Criteria: Invitae Variant Classification Sherloc (09022015). Collection method: clinical testing. Allele origin: germline.

Blueprint Genetics
Classification: Likely benign. Last evaluated: 2024-06-27. Review status: criteria provided, single submitter. Criteria: ACMG Guidelines, 2015. Collection method: clinical testing. Allele origin: germline.

Color Diagnostics, LLC DBA Color Health
Classification: Likely benign for Familial thoracic aortic aneurysm and aortic dissection. Last evaluated: 2021-08-09. Review status: criteria provided, single submitter. Criteria: ACMG Guidelines, 2015. Collection method: clinical testing. Allele origin: germline.

GeneDx
Classification: Likely benign. Last evaluated: 2016-02-15. Review status: criteria provided, single submitter. Criteria: GeneDx Variant Classification (06012015). Collection method: clinical testing. Allele origin: germline. Affected: yes.
Comment: This variant is considered likely benign or benign based on one or more of the following criteria: it is a conservative change, it occurs at a poorly conserved position in the protein, it is predicted to be benign by multiple in silico algorithms, and/or has population frequency not consistent with disease.